The following is an entry in ClinVar:

NM_000512.5(GALNS):c.778G>A (p.Glu260Lys)

Gene: GALNS (galactosamine (N-acetyl)-6-sulfatase; minus strand). Cytogenetic location: 16q24.3.
Variant type: single nucleotide variant.
Coding change: c.778G>A on transcript NM_000512.5 (MANE Select); coding-DNA position 778, G replaced by A.
Protein change: p.Glu260Lys; replaces glutamic acid 260 with lysine.
Molecular consequence: missense variant.
Genome position (GRCh38, 1-based): chr16:88,835,333, C>T on the plus strand (G>A on the coding strand, the complement: GALNS is on the minus strand). VCF-style: chr16-88835333-C-T. GRCh37 (hg19) VCF-style: chr16-88901741-C-T.
Other names: c.223G>A, p.Glu75Lys (NM_001323543.2); c.796G>A, p.Glu266Lys (NM_001323544.2); short protein forms E260K, E266K, E75K.
Identifiers: ClinVar variation 1048304 (VCV001048304.3), dbSNP rs2143001194, ClinGen allele CA397078940.

ClinVar aggregate classification (germline): Uncertain significance (1 of 4 stars; one submission).

Conditions:
Mucopolysaccharidosis, MPS-IV-A (MPS4A). Also called: Mucopolysaccharidosis type IV A; Mucopolysaccharidosis Type IVA; Morquio syndrome A, mild; MORQUIO SYNDROME A; MPS IVA; mucopolysaccharidosis type 4A. Identifiers: Orphanet 309297, Orphanet 582, MedGen C0086651, MONDO:0009659, OMIM 253000.

gnomAD v4.1: 2 of 1,613,740 alleles (0.00012%); highest among the groups gnomAD compares: Non-Finnish European, 0.00017%; no homozygotes.

Submission:

Laboratory of Diagnosis and Therapy of Lysosomal Disorders, University of Padova
Classification: Uncertain significance for Mucopolysaccharidosis, MPS-IV-A. Last evaluated: 2021-02-01. Review status: criteria provided, single submitter. Criteria: ACMG Guidelines, 2015. Collection method: curation. Allele origin: germline. Affected: yes.
Comment: Absent from gnomAD v2.1.1 (PM2_moderate); multiple lines of computational evidence support a deleterious effect on the gene (PP3_supporting)

Literature cited by the submitters: PubMed 22521955; PubMed 34387910.